The following is an entry in ClinVar:

ClinVar aggregate classification (germline): Likely benign. Review status: criteria provided, multiple submitters, no conflicts (2 of 4 stars). 3 submissions from 3 submitters: Likely benign (3). Last evaluated 2026-06-01.

Conditions:
Frontotemporal dementia and/or amyotrophic lateral sclerosis 6 (FTDALS6). Also called: VCP-Related Amyotrophic Lateral Sclerosis/Frontotemporal Dementia; VCP-Related Amyotrophic Lateral Sclerosis. Identifiers: Orphanet 275872, Orphanet 803, MedGen C5436279, MONDO:0013501, OMIM 613954.
Inclusion body myopathy with Paget disease of bone and frontotemporal dementia. Also called: Inclusion body myopathy with early-onset Paget disease and frontotemporal dementia. Identifiers: Orphanet 52430, MedGen C1833662, MONDO:0000507.
VCP-related disorder. Also called: VCP-related disorders; VCP-related condition.

Allele frequency attached by ClinVar (database versions not stated): ExAC 0.00001; gnomAD exomes 0.00001; gnomAD 0.00002; TOPMed 0.00004.
gnomAD v4.1: 20 of 1,614,008 alleles (0.0012%); highest among the groups gnomAD compares: Middle Eastern, 0.017%; no homozygotes.

Submissions (3):

CeGaT Center for Human Genetics Tuebingen
Classification: Likely benign. Last evaluated: 2026-06-01. Review status: criteria provided, single submitter. Criteria: CeGaT Center For Human Genetics Tuebingen Variant Classification Criteria Version 2. Collection method: clinical testing. Allele origin: germline. Affected: yes. Observed: 2 variant alleles.
Comment: VCP: BP4, BP7

PreventionGenetics, part of Exact Sciences
Classification: Likely benign for VCP-related condition. Last evaluated: 2026-01-22. Review status: criteria provided, single submitter. Criteria: ACMG Guidelines, 2015. Collection method: clinical testing. Allele origin: germline.
Comment: This variant is classified as likely benign based on ACMG/AMP sequence variant interpretation guidelines (Richards et al. 2015 PMID: 25741868, with internal and published modifications).

Labcorp Genetics (formerly Invitae), Labcorp
Classification: Likely benign for Inclusion body myopathy with Paget disease of bone and frontotemporal dementia; Frontotemporal dementia and/or amyotrophic lateral sclerosis 6. Last evaluated: 2025-10-29. Review status: criteria provided, single submitter. Criteria: Invitae Variant Classification Sherloc (09022015). Collection method: clinical testing. Allele origin: germline.

NM_007126.5(VCP):c.1494G>A (p.Glu498=)

Gene: VCP (valosin containing protein; minus strand). Cytogenetic location: 9p13.3.
Variant type: single nucleotide variant.
Coding change: c.1494G>A on transcript NM_007126.5 (MANE Select); coding-DNA position 1494, G replaced by A.
Protein change: p.Glu498=; no amino-acid change (glutamic acid 498 retained).
Molecular consequence: synonymous variant.
Genome position (GRCh38, 1-based): chr9:35,060,514, C>T on the plus strand (G>A on the coding strand, the complement: VCP is on the minus strand). VCF-style: chr9-35060514-C-T. GRCh37 (hg19) VCF-style: chr9-35060511-C-T.
Other names: c.1494G>A (NM_007126.3); c.1359G>A, p.Glu453= (NM_001354927.2, NM_001354928.2).
Identifiers: ClinVar variation 1638808 (VCV001638808.16), dbSNP rs775006879, ClinGen allele CA5039221.